The following is an entry in ClinVar:

NM_032608.7(MYO18B):c.2239G>A (p.Ala747Thr)

Gene: MYO18B (myosin XVIIIB; plus strand). Cytogenetic location: 22q12.1.
Variant type: single nucleotide variant.
Coding change: c.2239G>A on transcript NM_032608.7 (MANE Select); coding-DNA position 2239, G replaced by A.
Protein change: p.Ala747Thr; replaces alanine 747 with threonine.
Molecular consequence: missense variant.
Genome position (GRCh38, 1-based): chr22:25,781,761, G>A. VCF-style: chr22-25781761-G-A. GRCh37 (hg19) VCF-style: chr22-26177728-G-A.
Other names: c.2239G>A, p.Ala747Thr (NM_001318245.2); short protein forms A747T.
Identifiers: ClinVar variation 2078822 (VCV002078822.4), dbSNP rs1314024167, ClinGen allele CA410994006.

ClinVar aggregate classification (germline): Uncertain significance (1 of 4 stars; one submission).

gnomAD v4.1: 2 of 1,587,590 alleles (0.00013%); highest among the groups gnomAD compares: East Asian, 0.0045%; no homozygotes.

Submission:

Labcorp Genetics (formerly Invitae), Labcorp
Classification: Uncertain significance. Last evaluated: 2022-01-11. Review status: criteria provided, single submitter. Criteria: Invitae Variant Classification Sherloc (09022015). Collection method: clinical testing. Allele origin: germline.
Comment: This sequence change replaces alanine, which is neutral and non-polar, with threonine, which is neutral and polar, at codon 747 of the MYO18B protein (p.Ala747Thr). This variant is not present in population databases (gnomAD no frequency). This variant has not been reported in the literature in individuals affected with MYO18B-related conditions. Algorithms developed to predict the effect of missense changes on protein structure and function are either unavailable or do not agree on the potential impact of this missense change (SIFT: "Not Available"; PolyPhen-2: "Possibly Damaging"; Align-GVGD: "Not Available"). In summary, the available evidence is currently insufficient to determine the role of this variant in disease. Therefore, it has been classified as a Variant of Uncertain Significance.